The following is an entry in ClinVar:

NM_015681.6(B9D1):c.316G>A (p.Val106Met)

Gene: B9D1 (B9 domain containing 1; minus strand). Cytogenetic location: 17p11.2.
Variant type: single nucleotide variant.
Coding change: c.316G>A on transcript NM_015681.6 (MANE Select); coding-DNA position 316, G replaced by A.
Protein change: p.Val106Met; replaces valine 106 with methionine.
Molecular consequence: missense variant. On other transcripts: 5 prime UTR variant (1).
Genome position (GRCh38, 1-based): chr17:19,347,809, C>T on the plus strand (G>A on the coding strand, the complement: B9D1 is on the minus strand). VCF-style: chr17-19347809-C-T. GRCh37 (hg19) VCF-style: chr17-19251122-C-T.
Other names: c.316G>A, p.Val106Met (NM_001321214.2, NM_001321215.3, NM_001321216.2 and 4 more transcripts); c.-45G>A (NM_001368769.2); short protein forms V106M.
Identifiers: ClinVar variation 1036029 (VCV001036029.2), dbSNP rs770853834, ClinGen allele CA8440271.
Genomic context (GRCh38, chr17:19,347,809, plus strand): 5'-TCCTGCCCAGGGCCCAGGTCAGAATGAGGACCTACCGGCCAGGTGAGAAGGGCACGTGCA[C>T]GGCCCCATAGCCTCGAACCACATCGTTCCCGAACACATCTGGTCCATACACGCTGAGCAC-3'
Protein context (NP_056496.1, residues 96-116): GNDVVRGYGA[Val106Met]HVPFSPGRHK

ClinVar aggregate classification (germline): Uncertain significance (1 of 4 stars; one submission).

Conditions:
Joubert syndrome. Also called: Familial aplasia of the vermis; CEREBELLOPARENCHYMAL DISORDER IV; JOUBERT-BOLTSHAUSER SYNDROME. Identifiers: Orphanet 475, MedGen C5979921, MONDO:0018772.
Meckel-Gruber syndrome. Also called: Dysencephalia splachnocystica; DYSENCEPHALIA SPLANCHNOCYSTICA; GRUBER SYNDROME. Identifiers: Orphanet 564, MedGen C0265215, MONDO:0018921.

Allele frequency attached by ClinVar (database versions not stated): ExAC 0.00001; gnomAD 0.00001; TOPMed 0.00001; gnomAD exomes 0.00002.
gnomAD v4.1: 34 of 1,613,984 alleles (0.0021%); highest among the groups gnomAD compares: Admixed American, 0.0033%; no homozygotes.

Submission:

Labcorp Genetics (formerly Invitae), Labcorp
Classification: Uncertain significance for Joubert syndrome; Meckel-Gruber syndrome. Last evaluated: 2022-01-06. Review status: criteria provided, single submitter. Criteria: Invitae Variant Classification Sherloc (09022015). Collection method: clinical testing. Allele origin: germline.
Comment: This sequence change replaces valine, which is neutral and non-polar, with methionine, which is neutral and non-polar, at codon 106 of the B9D1 protein (p.Val106Met). This variant is present in population databases (rs770853834, gnomAD 0.003%). This variant has not been reported in the literature in individuals affected with B9D1-related conditions. ClinVar contains an entry for this variant (Variation ID: 1036029). Algorithms developed to predict the effect of missense changes on protein structure and function are either unavailable or do not agree on the potential impact of this missense change (SIFT: "Deleterious"; PolyPhen-2: "Benign"; Align-GVGD: "Class C0"). In summary, the available evidence is currently insufficient to determine the role of this variant in disease. Therefore, it has been classified as a Variant of Uncertain Significance.